The following is an entry in ClinVar:

NM_006445.4(PRPF8):c.187C>T (p.Pro63Ser)

Gene: PRPF8 (pre-mRNA processing factor 8; minus strand). Cytogenetic location: 17p13.3.
Variant type: single nucleotide variant.
Coding change: c.187C>T on transcript NM_006445.4 (MANE Select); coding-DNA position 187, C replaced by T.
Protein change: p.Pro63Ser; replaces proline 63 with serine.
Molecular consequence: missense variant.
Genome position (GRCh38, 1-based): chr17:1,683,615, G>A on the plus strand (C>T on the coding strand, the complement: PRPF8 is on the minus strand). VCF-style: chr17-1683615-G-A. GRCh37 (hg19) VCF-style: chr17-1586909-G-A.
Other names: short protein forms P63S.
Identifiers: ClinVar variation 1422716 (VCV001422716.8), dbSNP rs374410261, ClinGen allele CA8272698.

ClinVar aggregate classification (germline): Uncertain significance (1 of 4 stars; one submission).

Allele frequency attached by ClinVar (database versions not stated): gnomAD exomes below 0.00001; TOPMed below 0.00001; gnomAD 0.00001; ExAC 0.00002; ESP Exome Variant Server 0.00008.
gnomAD v4.1: 7 of 1,613,964 alleles (0.00043%); highest among the groups gnomAD compares: African/African-American, 0.0027%; no homozygotes.

Submission:

Labcorp Genetics (formerly Invitae), Labcorp
Classification: Uncertain significance. Last evaluated: 2023-11-06. Review status: criteria provided, single submitter. Criteria: Invitae Variant Classification Sherloc (09022015). Collection method: clinical testing. Allele origin: germline.
Comment: This sequence change replaces proline, which is neutral and non-polar, with serine, which is neutral and polar, at codon 63 of the PRPF8 protein (p.Pro63Ser). This variant is present in population databases (rs374410261, gnomAD 0.007%). This variant has not been reported in the literature in individuals affected with PRPF8-related conditions. ClinVar contains an entry for this variant (Variation ID: 1422716). Advanced modeling of protein sequence and biophysical properties (such as structural, functional, and spatial information, amino acid conservation, physicochemical variation, residue mobility, and thermodynamic stability) performed at Invitae indicates that this missense variant is expected to disrupt PRPF8 protein function with a positive predictive value of 80%. In summary, the available evidence is currently insufficient to determine the role of this variant in disease. Therefore, it has been classified as a Variant of Uncertain Significance.